The following is an entry in ClinVar:

ClinVar aggregate classification (germline): Uncertain significance (1 of 4 stars; one submission).

Submission:

Labcorp Genetics (formerly Invitae), Labcorp
Classification: Uncertain significance. Last evaluated: 2024-11-04. Review status: criteria provided, single submitter. Criteria: Invitae Variant Classification Sherloc (09022015). Collection method: clinical testing. Allele origin: germline.
Comment: This sequence change replaces glycine, which is neutral and non-polar, with arginine, which is basic and polar, at codon 392 of the MSH3 protein (p.Gly392Arg). This variant is not present in population databases (gnomAD no frequency). This variant has not been reported in the literature in individuals affected with MSH3-related conditions. An algorithm developed to predict the effect of missense changes on protein structure and function (PolyPhen-2) suggests that this variant is likely to be disruptive. In summary, the available evidence is currently insufficient to determine the role of this variant in disease. Therefore, it has been classified as a Variant of Uncertain Significance.

NM_002439.5(MSH3):c.1174G>A (p.Gly392Arg)

Gene: MSH3 (mutS homolog 3; plus strand). Cytogenetic location: 5q14.1.
Variant type: single nucleotide variant.
Coding change: c.1174G>A on transcript NM_002439.5 (MANE Select); coding-DNA position 1174, G replaced by A.
Protein change: p.Gly392Arg; replaces glycine 392 with arginine.
Molecular consequence: missense variant.
Genome position (GRCh38, 1-based): chr5:80,678,927, G>A. VCF-style: chr5-80678927-G-A. GRCh37 (hg19) VCF-style: chr5-79974746-G-A.
Other names: short protein forms G392R.
Identifiers: ClinVar variation 3724594 (VCV003724594.2).